The following is an entry in ClinVar:

NM_015089.4(CUL9):c.3384+9C>T

Gene: CUL9 (cullin 9; plus strand). Cytogenetic location: 6p21.1.
Variant type: single nucleotide variant.
Coding change: c.3384+9C>T on transcript NM_015089.4 (MANE Select); 9 bases into the intron after coding-DNA position 3384, C replaced by T.
Molecular consequence: intron variant.
Genome position (GRCh38, 1-based): chr6:43,200,165, C>T. VCF-style: chr6-43200165-C-T. GRCh37 (hg19) VCF-style: chr6-43167903-C-T.
Identifiers: ClinVar variation 3039684 (VCV003039684.2), dbSNP rs367583704, ClinGen allele CA3817820.

ClinVar aggregate classification (germline): Likely benign (0 of 4 stars; one submission).

Conditions:
CUL9-related disorder. Also called: CUL9-related condition.

Allele frequency attached by ClinVar (database versions not stated): 1000 Genomes Project 30x 0.00016; 1000 Genomes Project 0.00020; TOPMed 0.00052; ESP Exome Variant Server 0.00062; gnomAD 0.00082; gnomAD exomes 0.00085; ExAC 0.00093.

Submission:

PreventionGenetics, part of Exact Sciences
Classification: Likely benign for CUL9-related condition. Last evaluated: 2019-05-24. Review status: no assertion criteria provided. Collection method: clinical testing. Allele origin: germline.
Comment: This variant is classified as likely benign based on ACMG/AMP sequence variant interpretation guidelines (Richards et al. 2015 PMID: 25741868, with internal and published modifications).